The following is an entry in ClinVar:

ClinVar aggregate classification (germline): Uncertain significance (1 of 4 stars; one submission).

Conditions:
Retinitis pigmentosa 13 (RP13). Also called: PRPF 8-Related Retinitis Pigmentosa. Identifiers: Orphanet 791, MedGen C1838702, MONDO:0010806, OMIM 600059.

Submission:

Centre for Mendelian Genomics, University Medical Centre Ljubljana
Classification: Uncertain significance for Retinitis pigmentosa 13. Last evaluated: 2019-01-07. Review status: criteria provided, single submitter. Criteria: ACMG Guidelines, 2015. Collection method: clinical testing. Allele origin: unknown. Affected: yes.
Comment: This variant was classified as: Uncertain significance. The following ACMG criteria were applied in classifying this variant: PM2,PM4.

NM_006445.4(PRPF8):c.239del (p.Lys80fs)

Gene: PRPF8 (pre-mRNA processing factor 8; minus strand). Cytogenetic location: 17p13.3.
Variant type: Deletion.
Coding change: c.239del on transcript NM_006445.4 (MANE Select); coding-DNA position 239, one base deleted (A; older notation c.239delA).
Protein change: p.Lys80fs; shifts the reading frame from lysine 80.
Molecular consequence: frameshift variant.
Genome position (GRCh38, 1-based): chr17:1,683,563, T deleted on the plus strand (A on the coding strand, the reverse complement: PRPF8 is on the minus strand); the first of 2 consecutive T bases (chr17:1,683,563-1,683,564); deleting either gives the same sequence. VCF-style (leftmost placement, unchanged base first): chr17-1683562-CT-C. GRCh37 (hg19) VCF-style: chr17-1586856-CT-C.
Other names: short protein forms K80fs.
Identifiers: ClinVar variation 930664 (VCV000930664.3), dbSNP rs1913055670, ClinGen allele CA1139665055.